The following is an entry in ClinVar:

NM_000540.3(RYR1):c.6271C>T (p.Pro2091Ser)

Gene: RYR1 (ryanodine receptor 1; plus strand). Cytogenetic location: 19q13.2.
Variant type: single nucleotide variant.
Coding change: c.6271C>T on transcript NM_000540.3 (MANE Select); coding-DNA position 6271, C replaced by T.
Protein change: p.Pro2091Ser; replaces proline 2091 with serine.
Molecular consequence: missense variant.
Genome position (GRCh38, 1-based): chr19:38,492,633, C>T. VCF-style: chr19-38492633-C-T. GRCh37 (hg19) VCF-style: chr19-38983273-C-T.
Other names: c.6271C>T, p.Pro2091Ser (NM_001042723.2); short protein forms P2091S.
Identifiers: ClinVar variation 2268139 (VCV002268139.5), dbSNP rs1600794989, ClinGen allele CA405662686.

ClinVar aggregate classification (germline): Uncertain significance. Review status: criteria provided, multiple submitters, no conflicts (2 of 4 stars). 3 submissions from 3 submitters: Uncertain significance (3). Last evaluated 2024-05-02.

Conditions:
Inborn genetic diseases. Identifiers: MedGen C0950123, MeSH D030342.
Malignant hyperthermia, susceptibility to, 1 (MHS1). Also called: Malignant hyperthermia suceptibility 1; Anesthesia related hyperthermia; Malignant hyperpyrexia; Fulminating hyperpyrexia; Pharmacogenic myopathy; RYR1-Related Malignant Hyperthermia Susceptibility. Identifiers: Orphanet 423, MedGen C2930980, MONDO:0007783, OMIM 145600.
RYR1-related disorder. Also called: RYR1-related condition; RYR1-related disorders. Identifiers: MedGen CN239331.

gnomAD v4.1: 1 of 1,609,880 alleles (0.000062%); highest among the groups gnomAD compares: Non-Finnish European, 0.000085%; no homozygotes.

Submissions (3):

Labcorp Genetics (formerly Invitae), Labcorp
Classification: Uncertain significance for RYR1-related disorder. Last evaluated: 2024-05-02. Review status: criteria provided, single submitter. Criteria: Invitae Variant Classification Sherloc (09022015). Collection method: clinical testing. Allele origin: germline.
Comment: This sequence change replaces proline, which is neutral and non-polar, with serine, which is neutral and polar, at codon 2091 of the RYR1 protein (p.Pro2091Ser). This variant is not present in population databases (gnomAD no frequency). This variant has not been reported in the literature in individuals affected with RYR1-related conditions. ClinVar contains an entry for this variant (Variation ID: 2268139). Advanced modeling of protein sequence and biophysical properties (such as structural, functional, and spatial information, amino acid conservation, physicochemical variation, residue mobility, and thermodynamic stability) performed at Invitae indicates that this missense variant is not expected to disrupt RYR1 protein function with a negative predictive value of 95%. In summary, the available evidence is currently insufficient to determine the role of this variant in disease. Therefore, it has been classified as a Variant of Uncertain Significance.

Color Diagnostics, LLC DBA Color Health
Classification: Uncertain significance for Malignant hyperthermia, susceptibility to, 1. Last evaluated: 2024-03-07. Review status: criteria provided, single submitter. Criteria: ACMG Guidelines, 2015. Collection method: clinical testing. Allele origin: germline.
Comment: This missense variant replaces proline with serine at codon 2091 of the RYR1 protein. Computational prediction suggests that this variant may not impact protein structure and function. To our knowledge, functional studies have not been reported for this variant. This variant has not been reported in individuals affected with RYR1-related disorders in the literature. This variant has not been identified in the general population by the Genome Aggregation Database (gnomAD). The available evidence is insufficient to determine the role of this variant in disease conclusively. Therefore, this variant is classified as a Variant of Uncertain Significance.

Ambry Genetics
Classification: Uncertain significance for Inborn genetic diseases. Last evaluated: 2021-12-20. Review status: criteria provided, single submitter. Criteria: Ambry Variant Classification Scheme 2023. Collection method: clinical testing. Allele origin: germline.